The following is an entry in ClinVar:

ClinVar aggregate classification (germline): Uncertain significance. Review status: criteria provided, multiple submitters, no conflicts (2 of 4 stars). 2 submissions from 2 submitters: Uncertain significance (2). Last evaluated 2025-04-25.

Conditions:
Fanconi anemia (FA). Also called: Fanconi's anemia. Identifiers: Orphanet 84, MedGen C0015625, MeSH D005199, MONDO:0019391.
Inborn genetic diseases. Identifiers: MedGen C0950123, MeSH D030342.

Allele frequency attached by ClinVar (database versions not stated): gnomAD exomes below 0.00001; TOPMed below 0.00001; gnomAD 0.00001.
gnomAD v4.1: 2 of 1,613,938 alleles (0.00012%); highest among the groups gnomAD compares: Admixed American, 0.0033%; no homozygotes.

Submissions (2):

Ambry Genetics
Classification: Uncertain significance for Inborn genetic diseases. Last evaluated: 2025-04-25. Review status: criteria provided, single submitter. Criteria: Ambry Variant Classification Scheme 2023. Collection method: clinical testing. Allele origin: germline.
Comment: The p.A807T variant (also known as c.2419G>A), located in coding exon 26 of the FANCA gene, results from a G to A substitution at nucleotide position 2419. The alanine at codon 807 is replaced by threonine, an amino acid with similar properties. This amino acid position is conserved. In addition, this alteration is predicted to be tolerated by in silico analysis. Based on the available evidence, the clinical significance of this variant remains unclear.

Labcorp Genetics (formerly Invitae), Labcorp
Classification: Uncertain significance for Fanconi anemia. Last evaluated: 2024-01-24. Review status: criteria provided, single submitter. Criteria: Invitae Variant Classification Sherloc (09022015). Collection method: clinical testing. Allele origin: germline.
Comment: This sequence change replaces alanine, which is neutral and non-polar, with threonine, which is neutral and polar, at codon 807 of the FANCA protein (p.Ala807Thr). This variant is not present in population databases (gnomAD no frequency). This variant has not been reported in the literature in individuals affected with FANCA-related conditions. ClinVar contains an entry for this variant (Variation ID: 1420989). Advanced modeling of protein sequence and biophysical properties (such as structural, functional, and spatial information, amino acid conservation, physicochemical variation, residue mobility, and thermodynamic stability) performed at Invitae indicates that this missense variant is not expected to disrupt FANCA protein function with a negative predictive value of 80%. In summary, the available evidence is currently insufficient to determine the role of this variant in disease. Therefore, it has been classified as a Variant of Uncertain Significance.

NM_000135.4(FANCA):c.2419G>A (p.Ala807Thr)

Gene: FANCA (FA complementation group A; minus strand). Cytogenetic location: 16q24.3.
Variant type: single nucleotide variant.
Coding change: c.2419G>A on transcript NM_000135.4 (MANE Select); coding-DNA position 2419, G replaced by A.
Protein change: p.Ala807Thr; replaces alanine 807 with threonine.
Molecular consequence: missense variant.
Genome position (GRCh38, 1-based): chr16:89,769,922, C>T on the plus strand (G>A on the coding strand, the complement: FANCA is on the minus strand). VCF-style: chr16-89769922-C-T. GRCh37 (hg19) VCF-style: chr16-89836330-C-T.
Other names: c.2419G>A, p.Ala807Thr (NM_001286167.3); c.2419G>A (NM_000135.2); short protein forms A807T.
Identifiers: ClinVar variation 1420989 (VCV001420989.5), dbSNP rs2039263876, ClinGen allele CA397443615.